The following is an entry in ClinVar:

NM_005219.5(DIAPH1):c.44G>A (p.Arg15Gln)

Gene: DIAPH1 (diaphanous related formin 1; minus strand). Cytogenetic location: 5q31.3.
Variant type: single nucleotide variant.
Coding change: c.44G>A on transcript NM_005219.5 (MANE Select); coding-DNA position 44, G replaced by A.
Protein change: p.Arg15Gln; replaces arginine 15 with glutamine.
Molecular consequence: missense variant.
Genome position (GRCh38, 1-based): chr5:141,618,871, C>T on the plus strand (G>A on the coding strand, the complement: DIAPH1 is on the minus strand). VCF-style: chr5-141618871-C-T. GRCh37 (hg19) VCF-style: chr5-140998438-C-T.
Other names: c.44G>A, p.Arg15Gln (NM_001079812.3, NM_001314007.2); short protein forms R15Q.
Identifiers: ClinVar variation 639045 (VCV000639045.9), dbSNP rs1596422064, ClinGen allele CA361508779.

ClinVar aggregate classification (germline): Uncertain significance (1 of 4 stars; one submission).

Conditions:
Autosomal dominant nonsyndromic hearing loss 1. Also called: DEAFNESS, AUTOSOMAL DOMINANT 1, WITH OR WITHOUT THROMBOCYTOPENIA; KONIGSMARK SYNDROME. Identifiers: Orphanet 90635, MedGen C1852282, MONDO:0007424, OMIM 124900.
Progressive microcephaly-seizures-cortical blindness-developmental delay syndrome. Also called: Seizures, cortical blindness, and microcephaly syndrome. Identifiers: Orphanet 477814, MedGen C5567650, MONDO:0014714, OMIM 616632.

Allele frequency attached by ClinVar (database versions not stated): gnomAD exomes below 0.00001.
gnomAD v4.1: 1 of 1,523,116 alleles (0.000066%); highest among the groups gnomAD compares: Non-Finnish European, 0.000088%; no homozygotes.

Submission:

Labcorp Genetics (formerly Invitae), Labcorp
Classification: Uncertain significance for Progressive microcephaly-seizures-cortical blindness-developmental delay syndrome; Autosomal dominant nonsyndromic hearing loss 1. Last evaluated: 2018-10-15. Review status: criteria provided, single submitter. Criteria: Invitae Variant Classification Sherloc (09022015). Collection method: clinical testing. Allele origin: germline.
Comment: In summary, the available evidence is currently insufficient to determine the role of this variant in disease. Therefore, it has been classified as a Variant of Uncertain Significance. Algorithms developed to predict the effect of sequence changes on RNA splicing suggest that this variant may create or strengthen a splice site, but this prediction has not been confirmed by published transcriptional studies. This variant has not been reported in the literature in individuals with DIAPH1-related disease. This variant is not present in population databases (ExAC no frequency). This sequence change replaces arginine with glutamine at codon 15 of the DIAPH1 protein (p.Arg15Gln). The arginine residue is weakly conserved and there is a small physicochemical difference between arginine and glutamine.